The following is an entry in ClinVar:

NM_020686.6(ABAT):c.14T>G (p.Leu5Trp)

Gene: ABAT (4-aminobutyrate aminotransferase; plus strand). Cytogenetic location: 16p13.2.
Variant type: single nucleotide variant.
Coding change: c.14T>G on transcript NM_020686.6 (MANE Select); coding-DNA position 14, T replaced by G.
Protein change: p.Leu5Trp; replaces leucine 5 with tryptophan.
Molecular consequence: missense variant. On other transcripts: intron variant (3).
Genome position (GRCh38, 1-based): chr16:8,735,753, T>G. VCF-style: chr16-8735753-T-G. GRCh37 (hg19) VCF-style: chr16-8829610-T-G.
Other names: c.14T>G, p.Leu5Trp (NM_000663.5, NM_001127448.2, NM_001386600.1 and 13 more transcripts); c.-65-10248T>G (NM_001386611.1, NM_001386612.1, NM_001386613.1); c.14T>G (NM_020686.5); short protein forms L5W.
Identifiers: ClinVar variation 1500510 (VCV001500510.5), dbSNP rs1346245434, ClinGen allele CA394691028.
Genomic context (GRCh38, chr16:8,735,753, plus strand): 5'-TTTCAGGGTGGCAGCACGCAAAGGGTGTCCCTGTCCCTCAAGGGGTCATGGCCTCCATGT[T>G]GCTCGCCCAGCGCCTGGCCTGCAGCTTCCAGCACAGCTACCGCCTGCTGGTGCCTGGTAA-3'
Protein context (NP_065737.2, residues 1-15): MASM[Leu5Trp]LAQRLACSFQ

ClinVar aggregate classification (germline): Uncertain significance. Review status: criteria provided, multiple submitters, no conflicts (2 of 4 stars). 2 submissions from 2 submitters: Uncertain significance (2). Last evaluated 2025-09-22.

Conditions:
Gamma-aminobutyric acid transaminase deficiency (GABATD). Also called: GABA transaminase deficiency; Gamma aminobutyrate transaminase deficiency; 4 alpha aminobutyrate transaminase deficiency; GABA aminotransaminase deficiency. Identifiers: Orphanet 2066, MedGen C0342708, MONDO:0013166, OMIM 613163.
Inborn genetic diseases. Identifiers: MedGen C0950123, MeSH D030342.

Allele frequency attached by ClinVar (database versions not stated): gnomAD exomes below 0.00001; TOPMed 0.00001.
gnomAD v4.1: 3 of 1,606,236 alleles (0.00019%); highest among the groups gnomAD compares: African/African-American, 0.004%; no homozygotes.

Submissions (2):

Ambry Genetics
Classification: Uncertain significance for Inborn genetic diseases. Last evaluated: 2025-09-22. Review status: criteria provided, single submitter. Criteria: Ambry Variant Classification Scheme 2023. Collection method: clinical testing. Allele origin: germline.

Labcorp Genetics (formerly Invitae), Labcorp
Classification: Uncertain significance for Gamma-aminobutyric acid transaminase deficiency. Last evaluated: 2022-01-26. Review status: criteria provided, single submitter. Criteria: Invitae Variant Classification Sherloc (09022015). Collection method: clinical testing. Allele origin: germline.
Comment: In summary, the available evidence is currently insufficient to determine the role of this variant in disease. Therefore, it has been classified as a Variant of Uncertain Significance. Algorithms developed to predict the effect of missense changes on protein structure and function are either unavailable or do not agree on the potential impact of this missense change (SIFT: "Deleterious"; PolyPhen-2: "Possibly Damaging"; Align-GVGD: "Class C0"). This variant has not been reported in the literature in individuals affected with ABAT-related conditions. This variant is not present in population databases (gnomAD no frequency). This sequence change replaces leucine, which is neutral and non-polar, with tryptophan, which is neutral and slightly polar, at codon 5 of the ABAT protein (p.Leu5Trp).